The following is an entry in ClinVar:

ClinVar aggregate classification (germline): Uncertain significance. Review status: criteria provided, multiple submitters, no conflicts (2 of 4 stars). 2 submissions from 2 submitters: Uncertain significance (2). Last evaluated 2023-02-15.

Allele frequency attached by ClinVar (database versions not stated): gnomAD exomes below 0.00001; gnomAD 0.00001.
gnomAD v4.1: 3 of 1,613,978 alleles (0.00019%); highest among the groups gnomAD compares: African/African-American, 0.0013%; no homozygotes.

Submissions (2):

Labcorp Genetics (formerly Invitae), Labcorp
Classification: Uncertain significance. Last evaluated: 2023-02-15. Review status: criteria provided, single submitter. Criteria: Invitae Variant Classification Sherloc (09022015). Collection method: clinical testing. Allele origin: germline.
Comment: This sequence change replaces proline, which is neutral and non-polar, with leucine, which is neutral and non-polar, at codon 961 of the ADAMTS17 protein (p.Pro961Leu). This variant is not present in population databases (gnomAD no frequency). This variant has not been reported in the literature in individuals affected with ADAMTS17-related conditions. ClinVar contains an entry for this variant (Variation ID: 623878). An algorithm developed to predict the effect of missense changes on protein structure and function (PolyPhen-2) suggests that this variant is likely to be disruptive. In summary, the available evidence is currently insufficient to determine the role of this variant in disease. Therefore, it has been classified as a Variant of Uncertain Significance.

CeGaT Center for Human Genetics Tuebingen
Classification: Uncertain significance. Last evaluated: 2018-06-01. Review status: criteria provided, single submitter. Criteria: CeGaT Center For Human Genetics Tuebingen Variant Classification Criteria Version 2. Collection method: clinical testing. Allele origin: germline. Affected: yes. Observed: 3 variant alleles.

NM_139057.4(ADAMTS17):c.2882C>T (p.Pro961Leu)

Gene: ADAMTS17 (ADAM metallopeptidase with thrombospondin type 1 motif 17; minus strand). Cytogenetic location: 15q26.3.
Variant type: single nucleotide variant.
Coding change: c.2882C>T on transcript NM_139057.4 (MANE Select); coding-DNA position 2882, C replaced by T.
Protein change: p.Pro961Leu; replaces proline 961 with leucine.
Molecular consequence: missense variant.
Genome position (GRCh38, 1-based): chr15:99,993,115, G>A on the plus strand (C>T on the coding strand, the complement: ADAMTS17 is on the minus strand). VCF-style: chr15-99993115-G-A. GRCh37 (hg19) VCF-style: chr15-100533320-G-A.
Other names: short protein forms P961L.
Identifiers: ClinVar variation 623878 (VCV000623878.47), dbSNP rs1567652287, ClinGen allele CA393693452.